The following is an entry in ClinVar:

NM_130811.4(SNAP25):c.407+3G>A

Gene: SNAP25 (synaptosome associated protein 25; plus strand). Cytogenetic location: 20p12.2.
Variant type: single nucleotide variant.
Coding change: c.407+3G>A on transcript NM_130811.4 (MANE Select); 3 bases into the intron after coding-DNA position 407, G replaced by A.
Molecular consequence: intron variant.
Genome position (GRCh38, 1-based): chr20:10,297,053, G>A. VCF-style: chr20-10297053-G-A. GRCh37 (hg19) VCF-style: chr20-10277701-G-A.
Other names: c.407+3G>A (NM_001322907.2, NM_001322910.2, NM_001322904.2 and 7 more transcripts).
Identifiers: ClinVar variation 962830 (VCV000962830.7), dbSNP rs1871070779, ClinGen allele CA1139666651.

ClinVar aggregate classification (germline): Uncertain significance (1 of 4 stars; one submission).

Conditions:
Congenital myasthenic syndrome 18. Also called: MYASTHENIC SYNDROME, CONGENITAL, 18, WITH INTELLECTUAL DISABILITY AND ATAXIA. Identifiers: Orphanet 590, MedGen C4225364, MONDO:0014590, OMIM 616330.

Allele frequency attached by ClinVar (database versions not stated): gnomAD exomes below 0.00001.
gnomAD v4.1: 1 of 1,592,914 alleles (0.000063%); highest among the groups gnomAD compares: Non-Finnish European, 0.000086%; no homozygotes.

Submission:

Labcorp Genetics (formerly Invitae), Labcorp
Classification: Uncertain significance for Congenital myasthenic syndrome 18. Last evaluated: 2023-08-17. Review status: criteria provided, single submitter. Criteria: Invitae Variant Classification Sherloc (09022015). Collection method: clinical testing. Allele origin: germline.
Comment: In summary, the available evidence is currently insufficient to determine the role of this variant in disease. Therefore, it has been classified as a Variant of Uncertain Significance. Variants that disrupt the consensus splice site are a relatively common cause of aberrant splicing (PMID: 17576681, 9536098). Algorithms developed to predict the effect of sequence changes on RNA splicing suggest that this variant is not likely to affect RNA splicing. ClinVar contains an entry for this variant (Variation ID: 962830). This variant has not been reported in the literature in individuals affected with SNAP25-related conditions. This variant is not present in population databases (gnomAD no frequency). This sequence change falls in intron 6 of the SNAP25 gene. It does not directly change the encoded amino acid sequence of the SNAP25 protein. It affects a nucleotide within the consensus splice site.

Literature cited by the submitters: PubMed 17576681; PubMed 9536098.